The following is an entry in ClinVar:

ClinVar aggregate classification (germline): Uncertain significance (1 of 4 stars; one submission).

Submission:

GeneDx
Classification: Uncertain significance. Last evaluated: 2025-01-21. Review status: criteria provided, single submitter. Criteria: GeneDx Variant Classification Process June 2021. Collection method: clinical testing. Allele origin: germline. Affected: yes.
Comment: Not observed at significant frequency in large population cohorts (gnomAD); Has not been previously published as pathogenic or benign to our knowledge; In silico analysis is inconclusive as to whether the variant alters gene splicing. In the absence of RNA/functional studies, the actual effect of this sequence change is unknown.

NM_000214.3(JAG1):c.2227+3A>C

Gene: JAG1 (jagged canonical Notch ligand 1; minus strand). Cytogenetic location: 20p12.2.
Variant type: single nucleotide variant.
Coding change: c.2227+3A>C on transcript NM_000214.3 (MANE Select); 3 bases into the intron after coding-DNA position 2227, A replaced by C.
Molecular consequence: intron variant.
Genome position (GRCh38, 1-based): chr20:10,645,140, T>G on the plus strand (A>C on the coding strand, the complement: JAG1 is on the minus strand). VCF-style: chr20-10645140-T-G. GRCh37 (hg19) VCF-style: chr20-10625788-T-G.
Identifiers: ClinVar variation 4071695 (VCV004071695.1).